The following is an entry in ClinVar:

NM_004260.4(RECQL4):c.1580C>G (p.Thr527Arg)

Gene: RECQL4 (RecQ like helicase 4; minus strand). Cytogenetic location: 8q24.3.
Variant type: single nucleotide variant.
Coding change: c.1580C>G on transcript NM_004260.4 (MANE Select); coding-DNA position 1580, C replaced by G.
Protein change: p.Thr527Arg; replaces threonine 527 with arginine.
Molecular consequence: missense variant.
Genome position (GRCh38, 1-based): chr8:144,514,976, G>C on the plus strand (C>G on the coding strand, the complement: RECQL4 is on the minus strand). VCF-style: chr8-144514976-G-C. GRCh37 (hg19) VCF-style: chr8-145740360-G-C.
Other names: short protein forms T527R.
Identifiers: ClinVar variation 528916 (VCV000528916.8), dbSNP rs766354337, ClinGen allele CA372683611.

ClinVar aggregate classification (germline): Uncertain significance. Review status: criteria provided, single submitter (1 of 4 stars). 3 submissions from 3 submitters: Uncertain significance (1). 2 of the submissions do not count toward it. Last evaluated 2025-11-08.

Conditions:
RECQL4-related disorder. Also called: RECQL4-related disorders; RECQL4-related condition.
Baller-Gerold syndrome (BGS). Also called: CRANIOSYNOSTOSIS WITH RADIAL DEFECTS. Identifiers: Orphanet 1225, MedGen C0265308, MONDO:0009039, OMIM 218600.

Allele frequency attached by ClinVar (database versions not stated): gnomAD 0.00001; TOPMed 0.00001.

Submissions (3):

Labcorp Genetics (formerly Invitae), Labcorp
Classification: Uncertain significance for Baller-Gerold syndrome. Last evaluated: 2025-11-08. Review status: criteria provided, single submitter. Criteria: Invitae Variant Classification Sherloc (09022015). Collection method: clinical testing. Allele origin: germline.
Comment: This sequence change replaces threonine, which is neutral and polar, with arginine, which is basic and polar, at codon 527 of the RECQL4 protein (p.Thr527Arg). This variant is present in population databases (no rsID available, gnomAD 0.004%). This missense change has been observed in individual(s) with clinical features of RECQL4-related conditions (internal data). In at least one individual the data is consistent with being in trans (on the opposite chromosome) from a pathogenic variant. ClinVar contains an entry for this variant (Variation ID: 528916). Invitae Evidence Modeling of protein sequence and biophysical properties (such as structural, functional, and spatial information, amino acid conservation, physicochemical variation, residue mobility, and thermodynamic stability) indicates that this missense variant is expected to disrupt RECQL4 protein function with a positive predictive value of 80%. Algorithms developed to predict the effect of sequence changes on RNA splicing suggest that this variant may disrupt the consensus splice site. In summary, the available evidence is currently insufficient to determine the role of this variant in disease. Therefore, it has been classified as a Variant of Uncertain Significance.

PreventionGenetics, part of Exact Sciences
Classification: Uncertain significance for RECQL4-related condition. Last evaluated: 2024-03-15. Review status: no assertion criteria provided. Collection method: clinical testing. Allele origin: germline. Not counted in ClinVar's aggregate classification.
Comment: The RECQL4 c.1580C>G variant is predicted to result in the amino acid substitution p.Thr527Arg. This variant has been reported with a pathogenic nonsense variant (c.2269C>T, p.Gln757*) in a fetus with micrognathia, radial aplasia, ulnar and fibular hypoplasia, tibial and femoral shortening, and an abnormal lumbar spine in a prenatal exome sequencing analysis in fetal structural anomalies detected by ultrasonography, but the clinical significance was uncertain (Lord et al. 2019. PubMed ID: 30712880). In addition, a different substitution at the same codon, defined as c.1580C>T (p.Thr527Met), was reported in a genetic analysis of aplastic anemia and idiopathic pulmonary fibrosis patients with short telomeres, but the clinical significance was also uncertain (Arias-Salgado et al. 2019. PubMed ID: 30995915). The c.1580C>G (p.Thr527Arg) variant is reported in 0.0042% of alleles in individuals of African descent in gnomAD. At this time, the clinical significance of this variant is uncertain due to the absence of conclusive functional and genetic evidence.

Department of Pathology and Laboratory Medicine, Sinai Health System
Classification: Uncertain significance. Review status: no assertion criteria provided. Collection method: clinical testing. Allele origin: unknown. Affected: yes. Study: The Canadian Open Genetics Repository (COGR). Not counted in ClinVar's aggregate classification.
Comment: The RECQL4 p.Thr527Arg variant was identified in 1 of 1220 proband chromosomes (frequency: 0.00082) from individuals with structural anomalies (Lord_2019_PMID:30712880). The proband was compound heterozygous for the p.T527R variant and a nonsense variant in RECQL4 (Lord_2019_PMID:30712880). The variant was identified in dbSNP (ID: rs766354337) and ClinVar (classified as uncertain significance by Invitae for Baller-Gerold syndrome) but was not identified in LOVD 3.0 or Cosmic. The variant was identified in control databases in 2 of 264196 chromosomes at a frequency of 0.00000757 (Genome Aggregation Database March 6, 2019, v2.1.1, non-cancer). The variant was observed in the following populations: African in 1 of 22550 chromosomes (freq: 0.000044) and European (non-Finnish) in 1 of 116624 chromosomes (freq: 0.000009), but was not observed in the Latino, Ashkenazi Jewish, East Asian, European (Finnish), Other, or South Asian populations. The p.Thr527 residue is conserved across mammals and other organisms, and four out of five computational analyses (PolyPhen-2, SIFT, AlignGVGD, BLOSUM, MutationTaster) suggest that the variant may impact the protein; however, this information is not predictive enough to assume pathogenicity. The variant occurs outside of the splicing consensus sequence and 4 of 4 in silico or computational prediction software programs (SpliceSiteFinder, MaxEntScan, NNSPLICE, GeneSplicer) predict a greater than 10% difference in splicing and the creation of a new 5' splice site. However, this has not been confirmed by RNA analysis and is not predictive enough to assume pathogenicity. In summary, based on the above information the clinical significance of this variant cannot be determined with certainty at this time. This variant is classified as a variant of uncertain significance.